The following is an entry in ClinVar:

ClinVar aggregate classification (germline): Conflicting classifications of pathogenicity. Review status: criteria provided, conflicting classifications (1 of 4 stars). 4 submissions from 4 submitters: Uncertain significance (1); Likely benign (3). Last evaluated 2025-10-13.

Conditions:
Hereditary cancer-predisposing syndrome. Also called: Hereditary neoplastic syndrome; Tumor predisposition; Hereditary Cancer Syndrome; Neoplastic Syndromes, Hereditary. Identifiers: Orphanet 140162, MedGen C0027672, MeSH D009386, MONDO:0015356.
Multiple endocrine neoplasia, type 2 (MEN2). Identifiers: Orphanet 653, MedGen C4048306, MONDO:0019003. Disease mechanism: gain of function.

Allele frequency attached by ClinVar (database versions not stated): ExAC 0.00001; gnomAD 0.00003; gnomAD exomes below 0.00001; TOPMed 0.00002.
gnomAD v4.1: 10 of 1,614,052 alleles (0.00062%); highest among the groups gnomAD compares: Non-Finnish European, 0.00085%; no homozygotes.

Submissions (4):

Labcorp Genetics (formerly Invitae), Labcorp
Classification: Likely benign for Multiple endocrine neoplasia, type 2. Last evaluated: 2025-10-13. Review status: criteria provided, single submitter. Criteria: Invitae Variant Classification Sherloc (09022015). Collection method: clinical testing. Allele origin: germline.

Color Diagnostics, LLC DBA Color Health
Classification: Likely benign for Multiple endocrine neoplasia, type 2. Last evaluated: 2025-07-05. Review status: criteria provided, single submitter. Criteria: ACMG Guidelines, 2015. Collection method: clinical testing. Allele origin: germline.

GeneDx
Classification: Uncertain significance. Last evaluated: 2023-12-20. Review status: criteria provided, single submitter. Criteria: GeneDx Variant Classification Process June 2021. Collection method: clinical testing. Allele origin: germline.
Comment: Not observed at significant frequency in large population cohorts (gnomAD); In silico analysis supports that this variant does not alter splicing; Has not been previously published as pathogenic or benign to our knowledge

Ambry Genetics
Classification: Likely benign for Hereditary cancer-predisposing syndrome. Last evaluated: 2022-10-26. Review status: criteria provided, single submitter. Criteria: Ambry Variant Classification Scheme 2023. Collection method: clinical testing. Allele origin: germline.

NM_020975.6(RET):c.3188-4T>G

Gene: RET (ret proto-oncogene; plus strand). Cytogenetic location: 10q11.21.
Variant type: single nucleotide variant.
Coding change: c.3188-4T>G on transcript NM_020975.6 (MANE Select); 4 bases into the intron before coding-DNA position 3188, T replaced by G.
Molecular consequence: intron variant.
Genome position (GRCh38, 1-based): chr10:43,128,108, T>G. VCF-style: chr10-43128108-T-G. GRCh37 (hg19) VCF-style: chr10-43623556-T-G.
Other names: c.3188-4T>G (LRG_518t1).
Identifiers: ClinVar variation 413469 (VCV000413469.17), dbSNP rs748501516, ClinGen allele CA054706.